The following is an entry in ClinVar:

ClinVar aggregate classification (germline): Uncertain significance (1 of 4 stars; one submission).

Conditions:
Inborn genetic diseases. Identifiers: MedGen C0950123, MeSH D030342.

Submission:

Ambry Genetics
Classification: Uncertain significance for Inborn genetic diseases. Last evaluated: 2026-07-26. Review status: criteria provided, single submitter. Criteria: Ambry Variant Classification Scheme 2023. Collection method: clinical testing. Allele origin: germline.
Comment: The p.H196Q variant (also known as c.588T>A), located in coding exon 4 of the MECOM gene, results from a T to A substitution at nucleotide position 588. The histidine at codon 196 is replaced by glutamine, an amino acid with highly similar properties. This amino acid position is conserved. In addition, this alteration is predicted to be tolerated by in silico analysis. Based on the available evidence, the clinical significance of this variant remains unclear.

NM_004991.4(MECOM):c.588T>A (p.His196Gln)

Gene: MECOM (MDS1 and EVI1 complex locus; minus strand). Cytogenetic location: 3q26.2.
Variant type: single nucleotide variant.
Coding change: c.588T>A on transcript NM_004991.4 (MANE Select); coding-DNA position 588, T replaced by A.
Protein change: p.His196Gln; replaces histidine 196 with glutamine.
Molecular consequence: missense variant.
Genome position (GRCh38, 1-based): chr3:169,131,454, A>T on the plus strand (T>A on the coding strand, the complement: MECOM is on the minus strand). VCF-style: chr3-169131454-A-T. GRCh37 (hg19) VCF-style: chr3-168849242-A-T.
Other names: c.216T>A, p.His72Gln (NM_001105077.4); c.24T>A, p.His8Gln (NM_001105078.4, NM_001163999.2, NM_001164000.2 and 9 more transcripts); c.588T>A, p.His196Gln (NM_001366466.2, NM_001366473.2); short protein forms H8Q, H196Q, H72Q.
Identifiers: ClinVar variation 5024159 (VCV005024159.1).